The following is an entry in ClinVar:

ClinVar aggregate classification (germline): Uncertain significance (1 of 4 stars; one submission).

Submission:

GeneDx
Classification: Uncertain significance. Last evaluated: 2025-06-04. Review status: criteria provided, single submitter. Criteria: GeneDx Variant Classification Process June 2021. Collection method: clinical testing. Allele origin: germline. Affected: yes.
Comment: Not observed at significant frequency in large population cohorts (gnomAD); In silico analysis suggests that this missense variant does not alter protein structure/function; Has not been previously published as pathogenic or benign to our knowledge; This substitution is predicted to be within the transmembrane segment S3 of the third homologous domain

NM_001040142.2(SCN2A):c.3829C>A (p.Leu1277Ile)

Gene: SCN2A (sodium voltage-gated channel alpha subunit 2; plus strand). Cytogenetic location: 2q24.3.
Variant type: single nucleotide variant.
Coding change: c.3829C>A on transcript NM_001040142.2 (MANE Select); coding-DNA position 3829, C replaced by A.
Protein change: p.Leu1277Ile; replaces leucine 1277 with isoleucine.
Molecular consequence: missense variant.
Genome position (GRCh38, 1-based): chr2:165,370,279, C>A. VCF-style: chr2-165370279-C-A. GRCh37 (hg19) VCF-style: chr2-166226789-C-A.
Other names: c.3829C>A, p.Leu1277Ile (NM_001040143.2, NM_001371246.1, NM_001371247.1 and 1 more transcripts); short protein forms L1277I.
Identifiers: ClinVar variation 4536236 (VCV004536236.1).